The following is an entry in ClinVar:

NM_005051.3(QARS1):c.2085-3C>T

Gene: QARS1 (glutaminyl-tRNA synthetase 1; minus strand). Cytogenetic location: 3p21.31.
Variant type: single nucleotide variant.
Coding change: c.2085-3C>T on transcript NM_005051.3 (MANE Select); 3 bases into the intron before coding-DNA position 2085, C replaced by T.
Molecular consequence: intron variant.
Genome position (GRCh38, 1-based): chr3:49,098,261, G>A on the plus strand (C>T on the coding strand, the complement: QARS1 is on the minus strand). VCF-style: chr3-49098261-G-A. GRCh37 (hg19) VCF-style: chr3-49135694-G-A.
Other names: c.2052-3C>T (NM_001272073.2); c.2085-3C>T (NM_005051.1).
Identifiers: ClinVar variation 544137 (VCV000544137.5), dbSNP rs1024765171, ClinGen allele CA74472297.

ClinVar aggregate classification (germline): Uncertain significance. Review status: criteria provided, multiple submitters, no conflicts (2 of 4 stars). 2 submissions from 2 submitters: Uncertain significance (2). Last evaluated 2022-09-27.

Conditions:
Diffuse cerebral and cerebellar atrophy - intractable seizures - progressive microcephaly syndrome. Also called: Microcephaly, progressive, with seizures and cerebral and cerebellar atrophy. Identifiers: Orphanet 404437, MedGen C4014239, MONDO:0014335, OMIM 615760.
Inborn genetic diseases. Identifiers: MedGen C0950123, MeSH D030342.

Allele frequency attached by ClinVar (database versions not stated): gnomAD exomes 0.00002 and 0.00003; TOPMed 0.00002; gnomAD 0.00003 and 0.00004.
gnomAD v4.1: 17 of 1,614,040 alleles (0.0011%); highest among the groups gnomAD compares: Admixed American, 0.023%; no homozygotes.

Submissions (2):

Labcorp Genetics (formerly Invitae), Labcorp
Classification: Uncertain significance for Diffuse cerebral and cerebellar atrophy - intractable seizures - progressive microcephaly syndrome. Last evaluated: 2022-09-27. Review status: criteria provided, single submitter. Criteria: Invitae Variant Classification Sherloc (09022015). Collection method: clinical testing. Allele origin: germline.
Comment: This sequence change falls in intron 21 of the QARS gene. It does not directly change the encoded amino acid sequence of the QARS protein. It affects a nucleotide within the consensus splice site. This variant is present in population databases (no rsID available, gnomAD 0.03%). This variant has not been reported in the literature in individuals affected with QARS-related conditions. ClinVar contains an entry for this variant (Variation ID: 544137). Variants that disrupt the consensus splice site are a relatively common cause of aberrant splicing (PMID: 17576681, 9536098). Algorithms developed to predict the effect of sequence changes on RNA splicing suggest that this variant is not likely to affect RNA splicing. In summary, the available evidence is currently insufficient to determine the role of this variant in disease. Therefore, it has been classified as a Variant of Uncertain Significance.

Ambry Genetics
Classification: Uncertain significance for Inborn genetic diseases. Last evaluated: 2022-03-14. Review status: criteria provided, single submitter. Criteria: Ambry Variant Classification Scheme 2023. Collection method: clinical testing. Allele origin: germline.
Comment: The c.2085-3C>T intronic alteration consists of a C to T substitution 3 nucleotides before exon 22 of the QARS gene. Based on insufficient or conflicting evidence, the clinical significance of this alteration remains unclear.

Literature cited by the submitters: PubMed 17576681 (cited by Labcorp Genetics (formerly Invitae), Labcorp); PubMed 9536098 (cited by Labcorp Genetics (formerly Invitae), Labcorp).